The following is an entry in ClinVar:

NM_025215.6(PUS1):c.1063C>T (p.Pro355Ser)

Gene: PUS1 (pseudouridine synthase 1; plus strand). Cytogenetic location: 12q24.33.
Variant type: single nucleotide variant.
Coding change: c.1063C>T on transcript NM_025215.6 (MANE Select); coding-DNA position 1063, C replaced by T.
Protein change: p.Pro355Ser; replaces proline 355 with serine.
Molecular consequence: missense variant.
Genome position (GRCh38, 1-based): chr12:131,941,810, C>T. VCF-style: chr12-131941810-C-T. GRCh37 (hg19) VCF-style: chr12-132426355-C-T.
Other names: c.979C>T, p.Pro327Ser (NM_001002019.3, NM_001002020.3); short protein forms P327S, P355S.
Identifiers: ClinVar variation 1418036 (VCV001418036.3), dbSNP rs551018914, ClinGen allele CA6884306.

ClinVar aggregate classification (germline): Uncertain significance (1 of 4 stars; one submission).

Allele frequency attached by ClinVar (database versions not stated): gnomAD 0.00001; gnomAD exomes 0.00001 and 0.00002; ExAC 0.00004; 1000 Genomes Project 30x 0.00016; 1000 Genomes Project 0.00020.
gnomAD v4.1: 11 of 1,613,742 alleles (0.00068%); highest among the groups gnomAD compares: South Asian, 0.012%; no homozygotes.

Submission:

Labcorp Genetics (formerly Invitae), Labcorp
Classification: Uncertain significance. Last evaluated: 2021-12-30. Review status: criteria provided, single submitter. Criteria: Invitae Variant Classification Sherloc (09022015). Collection method: clinical testing. Allele origin: germline.
Comment: This sequence change replaces proline, which is neutral and non-polar, with serine, which is neutral and polar, at codon 355 of the PUS1 protein (p.Pro355Ser). This variant is present in population databases (rs551018914, gnomAD 0.02%). This variant has not been reported in the literature in individuals affected with PUS1-related conditions. Algorithms developed to predict the effect of missense changes on protein structure and function (SIFT, PolyPhen-2, Align-GVGD) all suggest that this variant is likely to be tolerated. In summary, the available evidence is currently insufficient to determine the role of this variant in disease. Therefore, it has been classified as a Variant of Uncertain Significance.